The following is an entry in ClinVar:

ClinVar aggregate classification (germline): Uncertain significance. Review status: criteria provided, multiple submitters, no conflicts (2 of 4 stars). 3 submissions from 3 submitters: Uncertain significance (3). Last evaluated 2025-12-08.

Conditions:
Aortic aneurysm, familial thoracic 8 (AAT8). Identifiers: MedGen C3809513, MONDO:0014187, OMIM 615436.
Familial thoracic aortic aneurysm and aortic dissection (TAAD). Also called: Thoracic aortic aneurysms and dissections. Identifiers: Orphanet 91387, MedGen C4707243, MONDO:0019625.

Allele frequency attached by ClinVar (database versions not stated): gnomAD exomes 0.00001 and 0.00002; ExAC 0.00002; TOPMed 0.00002.
gnomAD v4.1: 4 of 1,602,006 alleles (0.00025%); highest among the groups gnomAD compares: Admixed American, 0.0067%; no homozygotes.

Submissions (3):

Labcorp Genetics (formerly Invitae), Labcorp
Classification: Uncertain significance for Aortic aneurysm, familial thoracic 8. Last evaluated: 2025-12-08. Review status: criteria provided, single submitter. Criteria: Invitae Variant Classification Sherloc (09022015). Collection method: clinical testing. Allele origin: germline.
Comment: This sequence change replaces aspartic acid, which is acidic and polar, with asparagine, which is neutral and polar, at codon 208 of the PRKG1 protein (p.Asp208Asn). This variant is present in population databases (rs760798881, gnomAD 0.01%). This variant has not been reported in the literature in individuals affected with PRKG1-related conditions. ClinVar contains an entry for this variant (Variation ID: 1181150). An algorithm developed to predict the effect of missense changes on protein structure and function (PolyPhen-2) suggests that this variant is likely to be disruptive. In summary, the available evidence is currently insufficient to determine the role of this variant in disease. Therefore, it has been classified as a Variant of Uncertain Significance.

Ambry Genetics
Classification: Uncertain significance for Familial thoracic aortic aneurysm and aortic dissection. Last evaluated: 2019-09-17. Review status: criteria provided, single submitter. Criteria: Ambry Variant Classification Scheme 2023. Collection method: clinical testing. Allele origin: germline.
Comment: The p.D208N variant (also known as c.622G>A), located in coding exon 4 of the PRKG1 gene, results from a G to A substitution at nucleotide position 622. The aspartic acid at codon 208 is replaced by asparagine, an amino acid with highly similar properties. This amino acid position is highly conserved in available vertebrate species. In addition, the in silico prediction for this alteration is inconclusive. Since supporting evidence is limited at this time, the clinical significance of this alteration remains unclear.

GeneDx
Classification: Uncertain significance. Last evaluated: 2019-01-02. Review status: criteria provided, single submitter. Criteria: GeneDx Variant Classification Process June 2021. Collection method: clinical testing. Allele origin: germline. Affected: yes.
Comment: Has not been previously reported as pathogenic or benign to our knowledge; Not observed at a significant frequency in large population cohorts (Lek et al., 2016); In silico analysis, which includes protein predictors and evolutionary conservation, supports a deleterious effect

NM_006258.4(PRKG1):c.622G>A (p.Asp208Asn)

Gene: PRKG1 (protein kinase cGMP-dependent 1; plus strand). Cytogenetic location: 10q21.1.
Variant type: single nucleotide variant.
Coding change: c.622G>A on transcript NM_006258.4 (MANE Select); coding-DNA position 622, G replaced by A.
Protein change: p.Asp208Asn; replaces aspartic acid 208 with asparagine.
Molecular consequence: missense variant.
Genome position (GRCh38, 1-based): chr10:51,804,614, G>A. VCF-style: chr10-51804614-G-A. GRCh37 (hg19) VCF-style: chr10-53564374-G-A.
Other names: c.577G>A, p.Asp193Asn (NM_001098512.3); c.622G>A, p.Asp208Asn (NM_001374782.1); short protein forms D193N, D208N.
Identifiers: ClinVar variation 1181150 (VCV001181150.7), dbSNP rs760798881, ClinGen allele CA5503557.